The following is an entry in ClinVar:

NM_153704.6(TMEM67):c.640T>C (p.Tyr214His)

Gene: TMEM67 (transmembrane protein 67; plus strand). Cytogenetic location: 8q22.1.
Variant type: single nucleotide variant.
Coding change: c.640T>C on transcript NM_153704.6 (MANE Select); coding-DNA position 640, T replaced by C.
Protein change: p.Tyr214His; replaces tyrosine 214 with histidine.
Molecular consequence: missense variant. On other transcripts: non-coding transcript variant (1).
Genome position (GRCh38, 1-based): chr8:93,765,635, T>C. VCF-style: chr8-93765635-T-C. GRCh37 (hg19) VCF-style: chr8-94777863-T-C.
Other names: c.397T>C, p.Tyr133His (NM_001142301.1); short protein forms Y133H, Y214H.
Identifiers: ClinVar variation 3346918 (VCV003346918.1).

ClinVar aggregate classification (germline): Uncertain significance (0 of 4 stars; one submission).

Conditions:
TMEM67-related disorder. Also called: TMEM67-related condition; TMEM67-related disorders. Identifiers: MedGen CN239423.

Submission:

PreventionGenetics, part of Exact Sciences
Classification: Uncertain significance for TMEM67-related condition. Last evaluated: 2024-08-02. Review status: no assertion criteria provided. Collection method: clinical testing. Allele origin: germline.
Comment: The TMEM67 c.640T>C variant is predicted to result in the amino acid substitution p.Tyr214His. To our knowledge, this variant has not been reported in the literature or in a large population database, indicating this variant is rare. At this time, the clinical significance of this variant is uncertain due to the absence of conclusive functional and genetic evidence.